The following is an entry in ClinVar:

ClinVar aggregate classification (germline): Uncertain significance (1 of 4 stars; one submission).

Conditions:
Aspartylglucosaminuria (AGU). Also called: GLYCOASPARAGINASE; GLYCOSYLASPARAGINASE DEFICIENCY; AGA DEFICIENCY; Aspartylglucos-aminuria; Aspartylglucos-amidase (AGA) deficiency. Identifiers: Orphanet 93, MedGen C0268225, MONDO:0008830, OMIM 208400, HP:0012068.

Allele frequency attached by ClinVar (database versions not stated): gnomAD 0.00001; ExAC 0.00002; TOPMed 0.00003.
gnomAD v4.1: 14 of 1,613,870 alleles (0.00087%); highest among the groups gnomAD compares: South Asian, 0.0066%; no homozygotes.

Submission:

Labcorp Genetics (formerly Invitae), Labcorp
Classification: Uncertain significance for Aspartylglucosaminuria. Last evaluated: 2022-08-12. Review status: criteria provided, single submitter. Criteria: Invitae Variant Classification Sherloc (09022015). Collection method: clinical testing. Allele origin: germline.
Comment: This sequence change affects codon 313 of the AGA mRNA. It is a 'silent' change, meaning that it does not change the encoded amino acid sequence of the AGA protein. It affects a nucleotide within the consensus splice site. This variant is present in population databases (rs752718514, gnomAD 0.006%). This variant has not been reported in the literature in individuals affected with AGA-related conditions. Algorithms developed to predict the effect of sequence changes on RNA splicing suggest that this variant is not likely to affect RNA splicing. In summary, the available evidence is currently insufficient to determine the role of this variant in disease. Therefore, it has been classified as a Variant of Uncertain Significance.

NM_000027.4(AGA):c.939C>T (p.Tyr313=)

Gene: AGA (aspartylglucosaminidase; minus strand). Cytogenetic location: 4q34.3.
Variant type: single nucleotide variant.
Coding change: c.939C>T on transcript NM_000027.4 (MANE Select); coding-DNA position 939, C replaced by T.
Protein change: p.Tyr313=; no amino-acid change (tyrosine 313 retained).
Molecular consequence: synonymous variant. On other transcripts: non-coding transcript variant (1).
Genome position (GRCh38, 1-based): chr4:177,433,215, G>A on the plus strand (C>T on the coding strand, the complement: AGA is on the minus strand). VCF-style: chr4-177433215-G-A. GRCh37 (hg19) VCF-style: chr4-178354369-G-A.
Other names: c.909C>T, p.Tyr303= (NM_001171988.2).
Identifiers: ClinVar variation 2140813 (VCV002140813.1), dbSNP rs752718514, ClinGen allele CA3146754.